The following is an entry in ClinVar:

NM_015295.3(SMCHD1):c.434T>C (p.Leu145Pro)

Gene: SMCHD1 (structural maintenance of chromosomes flexible hinge domain containing 1; plus strand). Cytogenetic location: 18p11.32.
Variant type: single nucleotide variant.
Coding change: c.434T>C on transcript NM_015295.3 (MANE Select); coding-DNA position 434, T replaced by C.
Protein change: p.Leu145Pro; replaces leucine 145 with proline.
Molecular consequence: missense variant.
Genome position (GRCh38, 1-based): chr18:2,673,290, T>C. VCF-style: chr18-2673290-T-C. GRCh37 (hg19) VCF-style: chr18-2673289-T-C.
Other names: short protein forms L145P.
Identifiers: ClinVar variation 2635276 (VCV002635276.1), dbSNP rs2509971731, ClinGen allele CA401689222.

ClinVar aggregate classification (germline): Uncertain significance (1 of 4 stars; one submission).

Conditions:
SMCHD1-related disorder. Also called: SMCHD1-related condition.

Submission:

PreventionGenetics, part of Exact Sciences
Classification: Uncertain significance for SMCHD1-related condition. Last evaluated: 2022-11-26. Review status: criteria provided, single submitter. Criteria: ACMG Guidelines, 2015. Collection method: clinical testing. Allele origin: germline.
Comment: The SMCHD1 c.434T>C variant is predicted to result in the amino acid substitution p.Leu145Pro. To our knowledge, this variant has not been reported in the literature or in a large population database, indicating this variant is rare. At this time, the clinical significance of this variant is uncertain due to the absence of conclusive functional and genetic evidence.